The following is an entry in ClinVar:

NM_005529.7(HSPG2):c.3608C>A (p.Pro1203Gln)

Gene: HSPG2 (heparan sulfate proteoglycan 2; minus strand). Cytogenetic location: 1p36.12.
Variant type: single nucleotide variant.
Coding change: c.3608C>A on transcript NM_005529.7 (MANE Select); coding-DNA position 3608, C replaced by A.
Protein change: p.Pro1203Gln; replaces proline 1203 with glutamine.
Molecular consequence: missense variant.
Genome position (GRCh38, 1-based): chr1:21,874,454, G>T on the plus strand (C>A on the coding strand, the complement: HSPG2 is on the minus strand). VCF-style: chr1-21874454-G-T. GRCh37 (hg19) VCF-style: chr1-22200947-G-T.
Other names: c.3611C>A, p.Pro1204Gln (NM_001291860.2); short protein forms P1203Q, P1204Q.
Identifiers: ClinVar variation 804899 (VCV000804899.11), dbSNP rs375214661, ClinGen allele CA672589.
Genomic context (GRCh38, chr1:21,874,454, plus strand): 5'-GACTGGACGCACTGGCCGGCAGCAGGGTCTCCGTAGCAGGGGCACAGCTGGCAGTCCTGT[G>T]GTGTCCCCCGCTGGGCGTCCCCGTAGTATCCTGGCTGGCACTGCTCACACCGAGGGCCCT-3'
Protein context (NP_005520.4, residues 1193-1213): GYYGDAQRGT[Pro1203Gln]QDCQLCPCYG

ClinVar aggregate classification (germline): Uncertain significance. Review status: criteria provided, multiple submitters, no conflicts (2 of 4 stars). 6 submissions from 5 submitters: Uncertain significance (6). Last evaluated 2025-10-03.

Conditions:
Inborn genetic diseases. Identifiers: MedGen C0950123, MeSH D030342.
Lethal Kniest-like syndrome (DDSH). Also called: Dyssegmental Dysplasia. Identifiers: Orphanet 1865, MedGen C1857100, MONDO:0009140, OMIM 224410.
Schwartz-Jampel syndrome. Also called: Myotonic myopathy dwarfism chondrodystrophy and ocular and facial abnormalities. Identifiers: Orphanet 800, MedGen C0036391, MONDO:0009717.

Allele frequency attached by ClinVar (database versions not stated): ExAC 0.00001; gnomAD exomes 0.00002 and 0.00013; gnomAD 0.00004 and 0.00005; TOPMed 0.00005; ESP Exome Variant Server 0.00008.
gnomAD v4.1: 197 of 1,611,984 alleles (0.012%); highest among the groups gnomAD compares: Non-Finnish European, 0.016%; no homozygotes.

Submissions (6):

Labcorp Genetics (formerly Invitae), Labcorp
Classification: Uncertain significance. Last evaluated: 2025-10-03. Review status: criteria provided, single submitter. Criteria: Invitae Variant Classification Sherloc (09022015). Collection method: clinical testing. Allele origin: germline.
Comment: This sequence change replaces proline, which is neutral and non-polar, with glutamine, which is neutral and polar, at codon 1203 of the HSPG2 protein (p.Pro1203Gln). This variant is present in population databases (rs375214661, gnomAD 0.004%). This variant has not been reported in the literature in individuals affected with HSPG2-related conditions. ClinVar contains an entry for this variant (Variation ID: 804899). An algorithm developed to predict the effect of missense changes on protein structure and function (PolyPhen-2) suggests that this variant is likely to be disruptive. In summary, the available evidence is currently insufficient to determine the role of this variant in disease. Therefore, it has been classified as a Variant of Uncertain Significance.

Ambry Genetics
Classification: Uncertain significance for Inborn genetic diseases. Last evaluated: 2025-07-16. Review status: criteria provided, single submitter. Criteria: Ambry Variant Classification Scheme 2023. Collection method: clinical testing. Allele origin: germline.

Revvity Omics, Revvity
Classification: Uncertain significance. Last evaluated: 2019-06-12. Review status: criteria provided, single submitter. Criteria: ACMG Guidelines, 2015. Collection method: clinical testing. Allele origin: germline.

Athena Diagnostics
Classification: Uncertain significance. Last evaluated: 2018-10-02. Review status: criteria provided, single submitter. Criteria: Athena Diagnostics Criteria. Collection method: clinical testing. Allele origin: germline.

Illumina Laboratory Services, Illumina
Classification: Uncertain significance for Schwartz-Jampel syndrome type 1. Last evaluated: 2018-01-13. Review status: criteria provided, single submitter. Criteria: ICSL Variant Classification Criteria 13 December 2019. Collection method: clinical testing. Allele origin: germline.

Illumina Laboratory Services, Illumina
Classification: Uncertain significance for Lethal Kniest-like syndrome. Last evaluated: 2018-01-13. Review status: criteria provided, single submitter. Criteria: ICSL Variant Classification Criteria 13 December 2019. Collection method: clinical testing. Allele origin: germline.